The following is an entry in ClinVar:

ClinVar aggregate classification (germline): Uncertain significance (1 of 4 stars; one submission).

Submission:

Geisinger Autism and Developmental Medicine Institute, Geisinger Health System
Classification: Uncertain significance. Last evaluated: 2017-03-26. Review status: criteria provided, single submitter. Criteria: ACMG CNV Guidelines, 2011. Collection method: provider interpretation. Allele origin: maternal.

Single allele

Genes: GPC5 (glypican 5; plus strand), GPC6 (glypican 6; plus strand). Cytogenetic location: 13q31.3.
Variant type: Duplication.
Identifiers: ClinVar variation 560076 (VCV000560076.3).